The following is an entry in ClinVar:

NM_170606.3(KMT2C):c.40C>T (p.Pro14Ser)

Gene: KMT2C (lysine methyltransferase 2C; minus strand). Cytogenetic location: 7q36.1.
Variant type: single nucleotide variant.
Coding change: c.40C>T on transcript NM_170606.3 (MANE Select); coding-DNA position 40, C replaced by T.
Protein change: p.Pro14Ser; replaces proline 14 with serine.
Molecular consequence: missense variant.
Genome position (GRCh38, 1-based): chr7:152,435,747, G>A on the plus strand (C>T on the coding strand, the complement: KMT2C is on the minus strand). VCF-style: chr7-152435747-G-A. GRCh37 (hg19) VCF-style: chr7-152132832-G-A.
Other names: short protein forms P14S.
Identifiers: ClinVar variation 2875877 (VCV002875877.3), dbSNP rs1191245918, ClinGen allele CA370104572.

ClinVar aggregate classification (germline): Uncertain significance (1 of 4 stars; one submission).

Allele frequency attached by ClinVar (database versions not stated): gnomAD exomes below 0.00001.
gnomAD v4.1: 2 of 1,519,402 alleles (0.00013%); highest among the groups gnomAD compares: Non-Finnish European, 0.00018%; no homozygotes.

Submission:

Labcorp Genetics (formerly Invitae), Labcorp
Classification: Uncertain significance. Last evaluated: 2023-01-23. Review status: criteria provided, single submitter. Criteria: Invitae Variant Classification Sherloc (09022015). Collection method: clinical testing. Allele origin: germline.
Comment: Algorithms developed to predict the effect of missense changes on protein structure and function (SIFT, PolyPhen-2, Align-GVGD) all suggest that this variant is likely to be tolerated. This variant has not been reported in the literature in individuals affected with KMT2C-related conditions. The frequency data for this variant in the population databases is considered unreliable, as metrics indicate poor data quality at this position in the gnomAD database. This sequence change replaces proline, which is neutral and non-polar, with serine, which is neutral and polar, at codon 14 of the KMT2C protein (p.Pro14Ser). In summary, the available evidence is currently insufficient to determine the role of this variant in disease. Therefore, it has been classified as a Variant of Uncertain Significance.